The following is an entry in ClinVar:

NM_181507.2(HPS5):c.86G>A (p.Arg29Gln)

Gene: HPS5 (HPS5 biogenesis of lysosomal organelles complex 2 subunit 2; minus strand). Cytogenetic location: 11p15.1.
Variant type: single nucleotide variant.
Coding change: c.86G>A on transcript NM_181507.2 (MANE Select); coding-DNA position 86, G replaced by A.
Protein change: p.Arg29Gln; replaces arginine 29 with glutamine.
Molecular consequence: missense variant. On other transcripts: intron variant (14), 5 prime UTR variant (3).
Genome position (GRCh38, 1-based): chr11:18,317,773, C>T on the plus strand (G>A on the coding strand, the complement: HPS5 is on the minus strand). VCF-style: chr11-18317773-C-T. GRCh37 (hg19) VCF-style: chr11-18339320-C-T.
Other names: c.-235+4360G>A (NM_001440921.1, NM_181508.2); c.-124+4304G>A (NM_001440926.1); c.-235+4304G>A (NM_001440925.1, NM_001440920.1); c.-124+4173G>A (NM_001440928.1, NM_001440922.1); c.-235+4173G>A (NM_001440927.1, NM_001440930.1, NM_007216.4 and 2 more transcripts); c.-83-3254G>A (NM_001440909.1); c.86G>A, p.Arg29Gln (NM_001440916.1, NM_001440917.1, NM_001440919.1 and 9 more transcripts); c.-106G>A (NM_001440918.1, NM_001440907.1, NM_001440908.1); and 1 more; short protein forms R29Q.
Identifiers: ClinVar variation 1463763 (VCV001463763.8), dbSNP rs192059865, ClinGen allele CA5910581.
Genomic context (GRCh38, chr11:18,317,773, plus strand): 5'-CGTGAAAATGAAACTGATACAAGGATCAAGAAATTCACCTTTAGACGACTGGAGTCCAGC[C>T]GCAGGGCTGAGAGTAATGGATCCAGAGATTCAAACTCTGCAAGAACATGGCTGTAGGACT-3'
Protein context (NP_852608.1, residues 19-39): ESLDPLLSAL[Arg29Gln]LDSSRLKCTS

ClinVar aggregate classification (germline): Uncertain significance. Review status: criteria provided, multiple submitters, no conflicts (2 of 4 stars). 2 submissions from 2 submitters: Uncertain significance (2). Last evaluated 2024-10-24.

Conditions:
Hermansky-Pudlak syndrome 5 (HPS5). Identifiers: Orphanet 231512, Orphanet 79430, MedGen C3888004, MONDO:0013557, OMIM 614074.

Allele frequency attached by ClinVar (database versions not stated): ExAC 0.00001; gnomAD exomes 0.00001; gnomAD 0.00002 and 0.00003; TOPMed 0.00005; ESP Exome Variant Server 0.00008; 1000 Genomes Project 0.00020; 1000 Genomes Project 30x 0.00031.

Submissions (2):

Labcorp Genetics (formerly Invitae), Labcorp
Classification: Uncertain significance. Last evaluated: 2024-10-24. Review status: criteria provided, single submitter. Criteria: Invitae Variant Classification Sherloc (09022015). Collection method: clinical testing. Allele origin: germline.
Comment: This sequence change replaces arginine, which is basic and polar, with glutamine, which is neutral and polar, at codon 29 of the HPS5 protein (p.Arg29Gln). The frequency data for this variant in the population databases is considered unreliable, as metrics indicate poor data quality at this position in the gnomAD database. This variant has not been reported in the literature in individuals affected with HPS5-related conditions. ClinVar contains an entry for this variant (Variation ID: 1463763). An algorithm developed to predict the effect of missense changes on protein structure and function (PolyPhen-2) suggests that this variant is likely to be disruptive. In summary, the available evidence is currently insufficient to determine the role of this variant in disease. Therefore, it has been classified as a Variant of Uncertain Significance.

Fulgent Genetics
Classification: Uncertain significance for Hermansky-Pudlak syndrome 5. Last evaluated: 2024-05-09. Review status: criteria provided, single submitter. Criteria: ACMG Guidelines, 2015. Collection method: clinical testing. Allele origin: germline.